The following is an entry in ClinVar:

ClinVar aggregate classification (germline): Uncertain significance. Review status: criteria provided, multiple submitters, no conflicts (2 of 4 stars). 2 submissions from 2 submitters: Uncertain significance (2). Last evaluated 2025-11-23.

Submissions (2):

Labcorp Genetics (formerly Invitae), Labcorp
Classification: Uncertain significance. Last evaluated: 2025-11-23. Review status: criteria provided, single submitter. Criteria: Invitae Variant Classification Sherloc (09022015). Collection method: clinical testing. Allele origin: germline.
Comment: This sequence change replaces arginine, which is basic and polar, with tryptophan, which is neutral and slightly polar, at codon 195 of the DLL1 protein (p.Arg195Trp). This variant is not present in population databases (gnomAD no frequency). This variant has not been reported in the literature in individuals affected with DLL1-related conditions. ClinVar contains an entry for this variant (Variation ID: 1801034). An algorithm developed to predict the effect of missense changes on protein structure and function (PolyPhen-2) suggests that this variant is likely to be disruptive. In summary, the available evidence is currently insufficient to determine the role of this variant in disease. Therefore, it has been classified as a Variant of Uncertain Significance.

GeneDx
Classification: Uncertain significance. Last evaluated: 2022-05-23. Review status: criteria provided, single submitter. Criteria: GeneDx Variant Classification Process June 2021. Collection method: clinical testing. Allele origin: germline. Affected: yes.
Comment: Not observed at significant frequency in large population cohorts (gnomAD); In silico analysis supports that this missense variant has a deleterious effect on protein structure/function; Has not been previously published as pathogenic or benign to our knowledge

NM_005618.4(DLL1):c.583C>T (p.Arg195Trp)

Gene: DLL1 (delta like canonical Notch ligand 1; minus strand). Cytogenetic location: 6q27.
Variant type: single nucleotide variant.
Coding change: c.583C>T on transcript NM_005618.4 (MANE Select); coding-DNA position 583, C replaced by T.
Protein change: p.Arg195Trp; replaces arginine 195 with tryptophan.
Molecular consequence: missense variant.
Genome position (GRCh38, 1-based): chr6:170,288,326, G>A on the plus strand (C>T on the coding strand, the complement: DLL1 is on the minus strand). VCF-style: chr6-170288326-G-A. GRCh37 (hg19) VCF-style: chr6-170597414-G-A.
Other names: short protein forms R195W.
Identifiers: ClinVar variation 1801034 (VCV001801034.4), dbSNP rs1783753272, ClinGen allele CA366509244.